The following is an entry in ClinVar:

ClinVar aggregate classification (germline): Uncertain significance (1 of 4 stars; one submission).

Submission:

Labcorp Genetics (formerly Invitae), Labcorp
Classification: Uncertain significance. Last evaluated: 2021-04-05. Review status: criteria provided, single submitter. Criteria: Invitae Variant Classification Sherloc (09022015). Collection method: clinical testing. Allele origin: germline.
Comment: This variant is not present in population databases (ExAC no frequency). In summary, the available evidence is currently insufficient to determine the role of this variant in disease. Therefore, it has been classified as a Variant of Uncertain Significance. Algorithms developed to predict the effect of missense changes on protein structure and function are either unavailable or do not agree on the potential impact of this missense change (SIFT: "Not Available"; PolyPhen-2: "Benign"; Align-GVGD: "Not Available"). This variant has not been reported in the literature in individuals with UNC80-related conditions. This sequence change replaces threonine with arginine at codon 3130 of the UNC80 protein (p.Thr3130Arg). The threonine residue is weakly conserved and there is a moderate physicochemical difference between threonine and arginine.

NM_001371986.1(UNC80):c.9587C>G (p.Thr3196Arg)

Gene: UNC80 (unc-80 subunit of NALCN channel complex; plus strand). Cytogenetic location: 2q34.
Variant type: single nucleotide variant.
Coding change: c.9587C>G on transcript NM_001371986.1 (MANE Select); coding-DNA position 9587, C replaced by G.
Protein change: p.Thr3196Arg; replaces threonine 3196 with arginine.
Molecular consequence: missense variant.
Genome position (GRCh38, 1-based): chr2:209,994,143, C>G. VCF-style: chr2-209994143-C-G. GRCh37 (hg19) VCF-style: chr2-210858867-C-G.
Other names: c.9389C>G, p.Thr3130Arg (NM_032504.2); c.9317C>G, p.Thr3106Arg (NM_182587.4); short protein forms T3106R, T3196R, T3130R.
Identifiers: ClinVar variation 1523305 (VCV001523305.6), dbSNP rs750328362, ClinGen allele CA350415844.
Genomic context (GRCh38, chr2:209,994,143, plus strand): 5'-TGACCTTCATTGAGGCTCAGCCAGAGCCAGCAGCTGCCCCAACAGATGCGCTTCCTGCAA[C>G]AGGCCAACTACAGGGCTGTAGCCCAGCCCCTTCTAGGAAACCAGAAGCAATGGACGAACC-3'
Protein context (NP_001358915.1, residues 3186-3206): AAAPTDALPA[Thr3196Arg]GQLQGCSPAP